The following is an entry in ClinVar:

NM_001352514.2(HLCS):c.2583C>T (p.Phe861=)

Gene: HLCS (holocarboxylase synthetase; minus strand). Cytogenetic location: 21q22.13.
Variant type: single nucleotide variant.
Coding change: c.2583C>T on transcript NM_001352514.2 (MANE Select); coding-DNA position 2583, C replaced by T.
Protein change: p.Phe861=; no amino-acid change (phenylalanine 861 retained).
Molecular consequence: synonymous variant. On other transcripts: non-coding transcript variant (2).
Genome position (GRCh38, 1-based): chr21:36,754,285, G>A on the plus strand (C>T on the coding strand, the complement: HLCS is on the minus strand). VCF-style: chr21-36754285-G-A. GRCh37 (hg19) VCF-style: chr21-38126586-G-A.
Other names: c.2142C>T, p.Phe714= (NM_000411.8, NM_001242784.3, NM_001242785.2 and 4 more transcripts).
Identifiers: ClinVar variation 517889 (VCV000517889.35), dbSNP rs532108774, ClinGen allele CA10020213.

ClinVar aggregate classification (germline): Benign/Likely benign. Review status: criteria provided, multiple submitters, no conflicts (2 of 4 stars). 4 submissions from 4 submitters: Benign (1); Likely benign (3). Last evaluated 2026-01-20.

Conditions:
Holocarboxylase synthetase deficiency. Also called: MULTIPLE CARBOXYLASE DEFICIENCY, EARLY ONSET. Identifiers: Orphanet 79242, MedGen C0268581, MONDO:0009666, OMIM 253270.

Allele frequency attached by ClinVar (database versions not stated): ExAC 0.00074; 1000 Genomes Project 0.00140; 1000 Genomes Project 30x 0.00141; gnomAD 0.00004 and 0.00020; TOPMed 0.00005; gnomAD exomes 0.00032 and 0.00067.
gnomAD v4.1: 505 of 1,614,122 alleles (0.031%); highest among the groups gnomAD compares: South Asian, 0.47%; 5 homozygotes.

Submissions (4):

Labcorp Genetics (formerly Invitae), Labcorp
Classification: Benign for Holocarboxylase synthetase deficiency. Last evaluated: 2026-01-20. Review status: criteria provided, single submitter. Criteria: Invitae Variant Classification Sherloc (09022015). Collection method: clinical testing. Allele origin: germline.

CeGaT Center for Human Genetics Tuebingen
Classification: Likely benign. Last evaluated: 2024-03-01. Review status: criteria provided, single submitter. Criteria: CeGaT Center For Human Genetics Tuebingen Variant Classification Criteria Version 2. Collection method: clinical testing. Allele origin: germline. Affected: yes. Observed: 1 variant allele.
Comment: HLCS: BP4, BP7

Illumina Laboratory Services, Illumina
Classification: Likely benign for Holocarboxylase synthetase deficiency. Last evaluated: 2018-01-12. Review status: criteria provided, single submitter. Criteria: ICSL Variant Classification Criteria 13 December 2019. Collection method: clinical testing. Allele origin: germline.
Comment: This variant was observed in the ICSL laboratory as part of a predisposition screen in an ostensibly healthy population. It had not been previously curated by ICSL or reported in the Human Gene Mutation Database (HGMD: prior to June 1st, 2018), and was therefore a candidate for classification through an automated scoring system. Utilizing variant allele frequency, disease prevalence and penetrance estimates, and inheritance mode, an automated score was calculated to assess if this variant is too frequent to cause the disease. Based on the score and internal cut-off values, a variant classified as likely benign is not then subjected to further curation. The score for this variant resulted in a classification of likely benign for this disease.

GeneDx
Classification: Likely benign. Last evaluated: 2017-06-12. Review status: criteria provided, single submitter. Criteria: GeneDx Variant Classification (06012015). Collection method: clinical testing. Allele origin: germline. Affected: yes.
Comment: This variant is considered likely benign or benign based on one or more of the following criteria: it is a conservative change, it occurs at a poorly conserved position in the protein, it is predicted to be benign by multiple in silico algorithms, and/or has population frequency not consistent with disease.